The following is an entry in ClinVar:

ClinVar aggregate classification (germline): Uncertain significance (1 of 4 stars; one submission).

Conditions:
Inborn genetic diseases. Identifiers: MedGen C0950123, MeSH D030342.

gnomAD v4.1: 9 of 1,612,872 alleles (0.00056%); highest among the groups gnomAD compares: East Asian, 0.0067%; no homozygotes.

Submission:

Ambry Genetics
Classification: Uncertain significance for Inborn genetic diseases. Last evaluated: 2025-02-17. Review status: criteria provided, single submitter. Criteria: Ambry Variant Classification Scheme 2023. Collection method: clinical testing. Allele origin: germline.
Comment: The p.I475T variant (also known as c.1424T>C), located in coding exon 9 of the ERCC6L2 gene, results from a T to C substitution at nucleotide position 1424. The isoleucine at codon 475 is replaced by threonine, an amino acid with similar properties. This amino acid position is conserved. In addition, the in silico prediction for this alteration is inconclusive. Based on the available evidence, the clinical significance of this variant remains unclear.

NM_020207.7(ERCC6L2):c.1424T>C (p.Ile475Thr)

Gene: ERCC6L2 (ERCC excision repair 6 like 2; plus strand). Cytogenetic location: 9q22.32.
Variant type: single nucleotide variant.
Coding change: c.1424T>C on transcript NM_020207.7 (MANE Select); coding-DNA position 1424, T replaced by C.
Protein change: p.Ile475Thr; replaces isoleucine 475 with threonine.
Molecular consequence: missense variant. On other transcripts: non-coding transcript variant (1).
Genome position (GRCh38, 1-based): chr9:95,923,270, T>C. VCF-style: chr9-95923270-T-C. GRCh37 (hg19) VCF-style: chr9-98685552-T-C.
Other names: c.1424T>C, p.Ile475Thr (NM_001010895.4, NM_001375291.1, NM_001375292.1 and 2 more transcripts); short protein forms I475T.
Identifiers: ClinVar variation 3845947 (VCV003845947.1).